The following is an entry in ClinVar:

ClinVar aggregate classification (germline): Benign/Likely benign. Review status: criteria provided, multiple submitters, no conflicts (2 of 4 stars). 5 submissions from 5 submitters: Benign (2); Likely benign (2). 1 of the submissions does not count toward it. Last evaluated 2026-01-24.

Conditions:
DDX3X-related disorder. Also called: DDX3X-related condition.
Inborn genetic diseases. Identifiers: MedGen C0950123, MeSH D030342.

Allele frequency attached by ClinVar (database versions not stated): gnomAD exomes 0.00008 and 0.00029; ExAC 0.00035; 1000 Genomes Project 0.00053; 1000 Genomes Project 30x 0.00062; gnomAD 0.00064 and 0.00073; TOPMed 0.00094; ESP Exome Variant Server 0.00151.
gnomAD v4.1: 162 of 1,210,468 alleles (0.013%); highest among the groups gnomAD compares: African/African-American, 0.26%; no homozygotes.

Submissions (5):

Labcorp Genetics (formerly Invitae), Labcorp
Classification: Benign. Last evaluated: 2026-01-24. Review status: criteria provided, single submitter. Criteria: Invitae Variant Classification Sherloc (09022015). Collection method: clinical testing. Allele origin: germline.

Blueprint Genetics
Classification: Likely benign. Last evaluated: 2023-11-28. Review status: criteria provided, single submitter. Criteria: ACMG Guidelines, 2015. Collection method: clinical testing. Allele origin: germline.

GeneDx
Classification: Benign. Last evaluated: 2019-02-12. Review status: criteria provided, single submitter. Criteria: GeneDx Variant Classification Process June 2021. Collection method: clinical testing. Allele origin: germline. Affected: yes.

Ambry Genetics
Classification: Likely benign for Inborn genetic diseases. Last evaluated: 2016-08-18. Review status: criteria provided, single submitter. Criteria: Ambry Variant Classification Scheme 2023. Collection method: clinical testing. Allele origin: germline.

PreventionGenetics, part of Exact Sciences
Classification: Likely benign for DDX3X-related condition. Last evaluated: 2024-02-07. Review status: no assertion criteria provided. Collection method: clinical testing. Allele origin: germline. Not counted in ClinVar's aggregate classification.
Comment: This variant is classified as likely benign based on ACMG/AMP sequence variant interpretation guidelines (Richards et al. 2015 PMID: 25741868, with internal and published modifications).

NM_001356.5(DDX3X):c.969T>C (p.Thr323=)

Gene: DDX3X (DEAD-box helicase 3 X-linked; plus strand). Cytogenetic location: Xp11.4.
Variant type: single nucleotide variant.
Coding change: c.969T>C on transcript NM_001356.5 (MANE Select); coding-DNA position 969, T replaced by C.
Protein change: p.Thr323=; no amino-acid change (threonine 323 retained).
Molecular consequence: synonymous variant. On other transcripts: non-coding transcript variant (1).
Genome position (GRCh38, 1-based): chrX:41,344,343, T>C. VCF-style: chrX-41344343-T-C. GRCh37 (hg19) VCF-style: chrX-41203596-T-C.
Other names: c.969T>C, p.Thr323= (NM_001193416.3); c.921T>C, p.Thr307= (NM_001193417.3); c.411T>C, p.Thr137= (NM_001363819.1).
Identifiers: ClinVar variation 588064 (VCV000588064.19), dbSNP rs368366114, ClinGen allele CA10389519.